The following is an entry in ClinVar:

ClinVar aggregate classification (germline): Conflicting classifications of pathogenicity. Review status: criteria provided, conflicting classifications (1 of 4 stars). 3 submissions from 3 submitters: Uncertain significance (2); Likely benign (1). Last evaluated 2026-01-29.

Allele frequency attached by ClinVar (database versions not stated): ExAC 0.00060; ESP Exome Variant Server 0.00062; gnomAD exomes 0.00064 and 0.00114; gnomAD 0.00071 and 0.00072; 1000 Genomes Project 0.00080; TOPMed 0.00083; 1000 Genomes Project 30x 0.00094.

Submissions (3):

Labcorp Genetics (formerly Invitae), Labcorp
Classification: Uncertain significance. Last evaluated: 2026-01-29. Review status: criteria provided, single submitter. Criteria: Invitae Variant Classification Sherloc (09022015). Collection method: clinical testing. Allele origin: germline.
Comment: This sequence change replaces aspartic acid, which is acidic and polar, with glutamic acid, which is acidic and polar, at codon 42 of the ZNF408 protein (p.Asp42Glu). This variant is present in population databases (rs147975328, gnomAD 0.1%), and has an allele count higher than expected for a pathogenic variant. This variant has not been reported in the literature in individuals affected with ZNF408-related conditions. ClinVar contains an entry for this variant (Variation ID: 546664). An algorithm developed to predict the effect of missense changes on protein structure and function (PolyPhen-2) suggests that this variant is likely to be disruptive. In summary, the available evidence is currently insufficient to determine the role of this variant in disease. Therefore, it has been classified as a Variant of Uncertain Significance.

Blueprint Genetics
Classification: Likely benign. Last evaluated: 2024-11-23. Review status: criteria provided, single submitter. Criteria: ACMG Guidelines, 2015. Collection method: clinical testing. Allele origin: germline.

CeGaT Center for Human Genetics Tuebingen
Classification: Uncertain significance. Last evaluated: 2017-11-01. Review status: criteria provided, single submitter. Criteria: CeGaT Center For Human Genetics Tuebingen Variant Classification Criteria Version 2. Collection method: clinical testing. Allele origin: germline. Affected: yes. Observed: 1 variant allele.

NM_024741.3(ZNF408):c.126C>G (p.Asp42Glu)

Gene: ZNF408 (zinc finger protein 408; plus strand). Cytogenetic location: 11p11.2.
Variant type: single nucleotide variant.
Coding change: c.126C>G on transcript NM_024741.3 (MANE Select); coding-DNA position 126, C replaced by G.
Protein change: p.Asp42Glu; replaces aspartic acid 42 with glutamic acid.
Molecular consequence: missense variant.
Genome position (GRCh38, 1-based): chr11:46,701,472, C>G. VCF-style: chr11-46701472-C-G. GRCh37 (hg19) VCF-style: chr11-46723022-C-G.
Other names: c.102C>G, p.Asp34Glu (NM_001184751.2); short protein forms D42E, D34E.
Identifiers: ClinVar variation 546664 (VCV000546664.50), dbSNP rs147975328, ClinGen allele CA5966242.